The following is an entry in ClinVar:

NM_182943.3(PLOD2):c.382A>G (p.Lys128Glu)

Genes: PLOD2 (procollagen-lysine,2-oxoglutarate 5-dioxygenase 2; minus strand), LOC129389144 (MPRA-validated peak4856 silencer; plus strand). Cytogenetic location: 3q24.
Variant type: single nucleotide variant.
Coding change: c.382A>G on transcript NM_182943.3 (MANE Select); coding-DNA position 382, A replaced by G.
Protein change: p.Lys128Glu; replaces lysine 128 with glutamic acid.
Molecular consequence: missense variant.
Genome position (GRCh38, 1-based): chr3:146,110,405, T>C on the plus strand (A>G on the coding strand, the complement: PLOD2 is on the minus strand). VCF-style: chr3-146110405-T-C. GRCh37 (hg19) VCF-style: chr3-145828192-T-C.
Other names: c.382A>G, p.Lys128Glu (NM_000935.3); c.382A>G (NM_182943.2); short protein forms K128E.
Identifiers: ClinVar variation 343651 (VCV000343651.18), dbSNP rs200569129, ClinGen allele CA2655260.

ClinVar aggregate classification (germline): Uncertain significance. Review status: criteria provided, multiple submitters, no conflicts (2 of 4 stars). 7 submissions from 7 submitters: Uncertain significance (7). Last evaluated 2026-03-17.

Conditions:
Bruck syndrome 2 (BRKS2). Also called: OSTEOGENESIS IMPERFECTA WITH CONGENITAL JOINT CONTRACTURES. Identifiers: Orphanet 2771, MedGen C1836602, MONDO:0012217, OMIM 609220.
Osteogenesis imperfecta (OI). Identifiers: Orphanet 666, MedGen C0029434, MeSH D010013, MONDO:0019019.

Allele frequency attached by ClinVar (database versions not stated): 1000 Genomes Project 30x 0.00016; 1000 Genomes Project 0.00020; TOPMed 0.00055; gnomAD 0.00056 and 0.00060; ExAC 0.00067; gnomAD exomes 0.00067; ESP Exome Variant Server 0.00085.
gnomAD v4.1: 1,317 of 1,613,664 alleles (0.082%); highest among the groups gnomAD compares: Middle Eastern, 0.28%; 1 homozygote.

Submissions (7):

Women's Health and Genetics/Laboratory Corporation of America, LabCorp
Classification: Uncertain significance. Last evaluated: 2026-03-17. Review status: criteria provided, single submitter. Criteria: LabCorp Variant Classification Summary - May 2015. Collection method: clinical testing. Allele origin: germline.
Comment: Variant summary: PLOD2 c.382A>G (p.Lys128Glu) results in a conservative amino acid change in the encoded protein sequence. Algorithms developed to predict the effect of missense changes on protein structure and function are either unavailable or do not agree on the potential impact of this missense change. The variant allele was found at a frequency of 0.00067 in 250888 control chromosomes (gnomAD). This frequency is not significantly higher than estimated for disease-causing variants in PLOD2, allowing no conclusion about variant significance. c.382A>G has been observed in individuals affected with Autism Spectrum Disorder and Skeletal Problems (Farajzadeh Valilou_2020). This report does not provide unequivocal conclusions about association of the variant with Osteogenesis Imperfecta. To our knowledge, no experimental evidence demonstrating an impact on protein function has been reported. The following publications have been ascertained in the context of this evaluation (PMID: 32655337, 34495415). ClinVar contains an entry for this variant (Variation ID: 343651). Based on the evidence outlined above, the variant was classified as uncertain significance.

Labcorp Genetics (formerly Invitae), Labcorp
Classification: Uncertain significance. Last evaluated: 2024-12-18. Review status: criteria provided, single submitter. Criteria: Invitae Variant Classification Sherloc (09022015). Collection method: clinical testing. Allele origin: germline.
Comment: This sequence change replaces lysine, which is basic and polar, with glutamic acid, which is acidic and polar, at codon 128 of the PLOD2 protein (p.Lys128Glu). This variant is present in population databases (rs200569129, gnomAD 0.1%), and has an allele count higher than expected for a pathogenic variant. This missense change has been observed in individual(s) with clinical features of PLOD2-related conditions (PMID: 32655337). ClinVar contains an entry for this variant (Variation ID: 343651). An algorithm developed to predict the effect of missense changes on protein structure and function (PolyPhen-2) suggests that this variant is likely to be disruptive. In summary, the available evidence is currently insufficient to determine the role of this variant in disease. Therefore, it has been classified as a Variant of Uncertain Significance.

Blueprint Genetics
Classification: Uncertain significance. Last evaluated: 2024-10-16. Review status: criteria provided, single submitter. Criteria: ACMG Guidelines, 2015. Collection method: clinical testing. Allele origin: germline.

Department of Pathology and Laboratory Medicine, Sinai Health System
Classification: Uncertain significance for Bruck syndrome 2. Last evaluated: 2021-08-08. Review status: criteria provided, single submitter. Criteria: ACMG Guidelines, 2015. Collection method: research. Allele origin: germline.

GeneDx
Classification: Uncertain significance. Last evaluated: 2021-04-22. Review status: criteria provided, single submitter. Criteria: GeneDx Variant Classification Process June 2021. Collection method: clinical testing. Allele origin: germline. Affected: yes.
Comment: In silico analysis supports that this missense variant has a deleterious effect on protein structure/function; Identified in a patient as a candidate homozygous variant in published literature (Farajzadeh Valilou et al., 2020); This variant is associated with the following publications: (PMID: 32655337)

Genome Diagnostics Laboratory, The Hospital for Sick Children
Classification: Uncertain significance for Osteogenesis imperfecta. Last evaluated: 2020-04-01. Review status: criteria provided, single submitter. Criteria: ACMG Guidelines, 2015. Collection method: clinical testing. Allele origin: germline.

Illumina Laboratory Services, Illumina
Classification: Uncertain significance for Bruck syndrome 2. Last evaluated: 2018-01-13. Review status: criteria provided, single submitter. Criteria: ICSL Variant Classification Criteria 13 December 2019. Collection method: clinical testing. Allele origin: germline.

Literature cited by the submitters: PubMed 32655337 (cited by Women's Health and Genetics/Laboratory Corporation of America, LabCorp and Labcorp Genetics (formerly Invitae), Labcorp); PubMed 34495415 (cited by Women's Health and Genetics/Laboratory Corporation of America, LabCorp).